The following is an entry in ClinVar:

NM_000214.3(JAG1):c.462G>A (p.Lys154=)

Gene: JAG1 (jagged canonical Notch ligand 1; minus strand). Cytogenetic location: 20p12.2.
Variant type: single nucleotide variant.
Coding change: c.462G>A on transcript NM_000214.3 (MANE Select); coding-DNA position 462, G replaced by A.
Protein change: p.Lys154=; no amino-acid change (lysine 154 retained).
Molecular consequence: synonymous variant.
Genome position (GRCh38, 1-based): chr20:10,658,700, C>T on the plus strand (G>A on the coding strand, the complement: JAG1 is on the minus strand). VCF-style: chr20-10658700-C-T. GRCh37 (hg19) VCF-style: chr20-10639348-C-T.
Identifiers: ClinVar variation 3573312 (VCV003573312.2).
Genomic context (GRCh38, chr20:10,658,700, plus strand): 5'-CGTGTTCTGCTTCAGCGTCTGCCACTGCCGGCTGGGGTTGATCATGCCCGAGTGAGAAGC[C>T]TTTTCAATAATACTGTCAGGTTCTAGAGACAAAGTGATGAATCATGTTAATATTCACATT-3'
Protein context (NP_000205.1, residues 144-164): DTVQPDSIIE[Lys154=]ASHSGMINPS

Conditions:
Arteriohepatic dysplasia. Also called: Alagille Syndrome. Identifiers: Orphanet 52, MedGen C0085280, MeSH D016738, MONDO:0007318.

Submission:

Gilbert/Spinner Lab, Children's Hospital of Philadelphia
No classification provided (evidence only). Condition: Alagille syndrome. Review status: no classification provided. Collection method: research. Allele origin: not applicable. Functional consequence: functionally_abnormal.
ClinVar note: "not provided" was previously submitted as the classification for the variant. However, the classification appeared to be based only on an observation of functional data so it was converted to no classification on 2025-07-30.